The following is an entry in ClinVar:

NM_014822.4(SEC24D):c.2512T>G (p.Ser838Ala)

Gene: SEC24D (SEC24 homolog D, COPII component; minus strand). Cytogenetic location: 4q26.
Variant type: single nucleotide variant.
Coding change: c.2512T>G on transcript NM_014822.4 (MANE Select); coding-DNA position 2512, T replaced by G.
Protein change: p.Ser838Ala; replaces serine 838 with alanine.
Molecular consequence: missense variant.
Genome position (GRCh38, 1-based): chr4:118,732,897, A>C on the plus strand (T>G on the coding strand, the complement: SEC24D is on the minus strand). VCF-style: chr4-118732897-A-C. GRCh37 (hg19) VCF-style: chr4-119654052-A-C.
Other names: c.2515T>G, p.Ser839Ala (NM_001318066.2); short protein forms S838A, S839A.
Identifiers: ClinVar variation 2973955 (VCV002973955.3), dbSNP rs1725766195, ClinGen allele CA358005205.

ClinVar aggregate classification (germline): Uncertain significance (1 of 4 stars; one submission).

gnomAD v4.1: 3 of 1,613,394 alleles (0.00019%); highest among the groups gnomAD compares: Non-Finnish European, 0.00025%; no homozygotes.

Submission:

Labcorp Genetics (formerly Invitae), Labcorp
Classification: Uncertain significance. Last evaluated: 2023-05-07. Review status: criteria provided, single submitter. Criteria: Invitae Variant Classification Sherloc (09022015). Collection method: clinical testing. Allele origin: germline.
Comment: Algorithms developed to predict the effect of missense changes on protein structure and function output the following: SIFT: "Not Available"; PolyPhen-2: "Benign"; Align-GVGD: "Not Available". The alanine amino acid residue is found in multiple mammalian species, which suggests that this missense change does not adversely affect protein function. In summary, the available evidence is currently insufficient to determine the role of this variant in disease. Therefore, it has been classified as a Variant of Uncertain Significance. This variant has not been reported in the literature in individuals affected with SEC24D-related conditions. This variant is not present in population databases (gnomAD no frequency). This sequence change replaces serine, which is neutral and polar, with alanine, which is neutral and non-polar, at codon 838 of the SEC24D protein (p.Ser838Ala).